The following is an entry in ClinVar:

ClinVar aggregate classification (germline): Pathogenic (1 of 4 stars; one submission).

Submission:

Quest Diagnostics Nichols Institute San Juan Capistrano
Classification: Pathogenic. Last evaluated: 2022-12-21. Review status: criteria provided, single submitter. Criteria: ACMG/ClinGen CNV Guidelines, 2019. Collection method: clinical testing. Allele origin: unknown.
Comment: The copy number gain of 8q21.12q22.3 involves numerous protein-coding genes, including GDF6 (OMIM 601147) and SDC2 (OMIM 142460). Microduplications at 8q22.1 encompassing GDF6 and SDC2 are associated with Leri pleonosteosis (LP; OMIM 151200, Banka 2015, Leary 2019). Duplications similar to or smaller than the current interval have also been identified in individuals with phenotypes including intellectual disability, developmental delay, epilepsy, and bipolar disorder (Gagliano 2018, Rezazadeh 2017). Thus, based on current medical literature and gene content, this copy number variant (CNV) is classified as pathogenic. _x000D__x000D_ References: Banka et al., Ann Rheum Dis. 2015 Jun;74(6):1249-56. PMID: 24442880 Gagliano et al., Case Rep Med. 2018 Jul 12;2018:3871425. PMID: 30123278 Leary et al., Clin Case Rep. 2019 Oct 24;7(12):2393-2397. PMID: 31893066 Rezazadeh et al., Seizure. 2017 May;48:57-61. PMID: 28419948

GRCh37/hg19 8q21.12-22.3(chr8:79046933-102008860)x3

Genes: RALYL (RALY RNA binding protein like; plus strand), RBIS (ribosomal biogenesis factor; minus strand), RBM12B (RNA binding motif protein 12B; minus strand), RGS22 (regulator of G protein signaling 22; minus strand), RIDA (reactive intermediate imine deaminase A; minus strand) and 93 more. Cytogenetic location: 8q21.12-22.3.
Variant type: copy number gain.
Change: copy number 3 (three copies instead of two) of chr8:79,046,933-102,008,860 (22.96 Mb, GRCh37 coordinates, 1-based), cytogenetic band 8q21.12-22.3.
Identifiers: ClinVar variation 2684546 (VCV002684546.1).